The following is an entry in ClinVar:

ClinVar aggregate classification (germline): Uncertain significance (1 of 4 stars; one submission).

Allele frequency attached by ClinVar (database versions not stated): TOPMed 0.00001.

Submission:

Labcorp Genetics (formerly Invitae), Labcorp
Classification: Uncertain significance. Last evaluated: 2022-07-06. Review status: criteria provided, single submitter. Criteria: Invitae Variant Classification Sherloc (09022015). Collection method: clinical testing. Allele origin: germline.
Comment: ClinVar contains an entry for this variant (Variation ID: 1486907). In summary, the available evidence is currently insufficient to determine the role of this variant in disease. Therefore, it has been classified as a Variant of Uncertain Significance. Algorithms developed to predict the effect of missense changes on protein structure and function are either unavailable or do not agree on the potential impact of this missense change (SIFT: "Tolerated"; PolyPhen-2: "Possibly Damaging"; Align-GVGD: "Class C0"). This variant has not been reported in the literature in individuals affected with CERKL-related conditions. This variant is not present in population databases (gnomAD no frequency). This sequence change replaces isoleucine, which is neutral and non-polar, with methionine, which is neutral and non-polar, at codon 93 of the CERKL protein (p.Ile93Met).

NM_201548.5(CERKL):c.279T>G (p.Ile93Met)

Gene: CERKL (CERK like autophagy regulator; minus strand). Cytogenetic location: 2q31.3.
Variant type: single nucleotide variant.
Coding change: c.279T>G on transcript NM_201548.5 (MANE Select); coding-DNA position 279, T replaced by G.
Protein change: p.Ile93Met; replaces isoleucine 93 with methionine.
Molecular consequence: missense variant. On other transcripts: non-coding transcript variant (2).
Genome position (GRCh38, 1-based): chr2:181,604,039, A>C on the plus strand (T>G on the coding strand, the complement: CERKL is on the minus strand). VCF-style: chr2-181604039-A-C. GRCh37 (hg19) VCF-style: chr2-182468766-A-C.
Other names: c.279T>G, p.Ile93Met (NM_001030311.3, NM_001030312.3, NM_001030313.3 and 1 more transcripts); short protein forms I93M.
Identifiers: ClinVar variation 1486907 (VCV001486907.8), dbSNP rs1391767078, ClinGen allele CA349730928.